The following is an entry in ClinVar:

ClinVar aggregate classification (germline): Uncertain significance (1 of 4 stars; one submission).

Conditions:
Dilated cardiomyopathy 1DD (CMD1DD). Identifiers: Orphanet 154, MedGen C2750995, MONDO:0013168, OMIM 613172.

gnomAD v4.1: 1 of 1,551,788 alleles (0.000064%); highest among the groups gnomAD compares: Non-Finnish European, 0.000087%; no homozygotes.

Submission:

Labcorp Genetics (formerly Invitae), Labcorp
Classification: Uncertain significance for Dilated cardiomyopathy 1DD. Last evaluated: 2024-05-04. Review status: criteria provided, single submitter. Criteria: Invitae Variant Classification Sherloc (09022015). Collection method: clinical testing. Allele origin: germline.
Comment: This sequence change replaces glycine, which is neutral and non-polar, with valine, which is neutral and non-polar, at codon 404 of the RBM20 protein (p.Gly404Val). This variant is not present in population databases (gnomAD no frequency). This variant has not been reported in the literature in individuals affected with RBM20-related conditions. Advanced modeling of protein sequence and biophysical properties (such as structural, functional, and spatial information, amino acid conservation, physicochemical variation, residue mobility, and thermodynamic stability) has been performed at Invitae for this missense variant, however the output from this modeling did not meet the statistical confidence thresholds required to predict the impact of this variant on RBM20 protein function. In summary, the available evidence is currently insufficient to determine the role of this variant in disease. Therefore, it has been classified as a Variant of Uncertain Significance.

NM_001134363.3(RBM20):c.1211G>T (p.Gly404Val)

Gene: RBM20 (RNA binding motif protein 20; plus strand). Cytogenetic location: 10q25.2.
Variant type: single nucleotide variant.
Coding change: c.1211G>T on transcript NM_001134363.3 (MANE Select); coding-DNA position 1211, G replaced by T.
Protein change: p.Gly404Val; replaces glycine 404 with valine.
Molecular consequence: missense variant.
Genome position (GRCh38, 1-based): chr10:110,781,820, G>T. VCF-style: chr10-110781820-G-T. GRCh37 (hg19) VCF-style: chr10-112541578-G-T.
Other names: short protein forms G404V.
Identifiers: ClinVar variation 3636964 (VCV003636964.2).